The following is an entry in ClinVar:

NM_001844.5(COL2A1):c.1597C>A (p.Arg533=)

Gene: COL2A1 (collagen type II alpha 1 chain; minus strand). Cytogenetic location: 12q13.11.
Variant type: single nucleotide variant.
Coding change: c.1597C>A on transcript NM_001844.5 (MANE Select); coding-DNA position 1597, C replaced by A.
Protein change: p.Arg533=; no amino-acid change (arginine 533 retained).
Molecular consequence: synonymous variant.
Genome position (GRCh38, 1-based): chr12:47,985,811, G>T on the plus strand (C>A on the coding strand, the complement: COL2A1 is on the minus strand). VCF-style: chr12-47985811-G-T. GRCh37 (hg19) VCF-style: chr12-48379594-G-T.
Other names: c.1390C>A, p.Arg464= (NM_033150.3).
Identifiers: ClinVar variation 1698290 (VCV001698290.2), dbSNP rs1085307608, ClinGen allele CA479469209.

ClinVar aggregate classification (germline): Uncertain significance (1 of 4 stars; one submission).

Submission:

GeneDx
Classification: Uncertain significance. Last evaluated: 2022-01-24. Review status: criteria provided, single submitter. Criteria: GeneDx Variant Classification Process June 2021. Collection method: clinical testing. Allele origin: germline. Affected: yes.
Comment: Has not been previously published as pathogenic or benign to our knowledge; Not observed at significant frequency in large population cohorts (gnomAD); In silico analysis supports that this variant does not alter splicing